The following is an entry in ClinVar:

NC_000003.11:g.(?_121547297)_(121547807_?)del

Gene: IQCB1 (IQ motif containing B1; minus strand). Cytogenetic location: 3q13.33.
Variant type: Deletion.
Identifiers: ClinVar variation 2423483 (VCV002423483.3).

ClinVar aggregate classification (germline): Pathogenic (1 of 4 stars; one submission).

Conditions:
Nephronophthisis. Also called: Juvenile Nephronophthisis. Identifiers: Orphanet 655, MedGen C0687120, MONDO:0019005, HP:0000090.

Submission:

Labcorp Genetics (formerly Invitae), Labcorp
Classification: Pathogenic for Nephronophthisis. Last evaluated: 2022-06-16. Review status: criteria provided, single submitter. Criteria: Invitae Variant Classification Sherloc (09022015). Collection method: clinical testing. Allele origin: germline.
Comment: This variant is a gross deletion of the genomic region encompassing exon(s) 3-4 of the IQCB1 gene, which includes the initiator codon. This deletion extends beyond the assayed region for this gene and therefore may encompass additional genes. It is expected to result in an absent or disrupted protein product. Loss-of-function variants in IQCB1 are known to be pathogenic (PMID: 15723066, 21901789, 23559409, 28041643). This variant has not been reported in the literature in individuals affected with IQCB1-related conditions. For these reasons, this variant has been classified as Pathogenic.

Literature cited by the submitters: PubMed 15723066; PubMed 21901789; PubMed 23559409; PubMed 28041643.